The following is an entry in ClinVar:

NM_138694.4(PKHD1):c.2487_2489delinsAG (p.Asn830fs)

Gene: PKHD1 (PKHD1 ciliary IPT domain containing fibrocystin/polyductin; minus strand). Cytogenetic location: 6p12.2.
Variant type: Indel.
Coding change: c.2487_2489delinsAG on transcript NM_138694.4 (MANE Select); coding-DNA positions 2487 to 2489, CAA replaced by AG.
Protein change: p.Asn830fs; shifts the reading frame from asparagine 830.
Molecular consequence: frameshift variant.
Genome position (GRCh38, 1-based): chr6:52,046,107-52,046,109, TTG replaced by CT on the plus strand (CAA replaced by AG on the coding strand, the reverse complement: PKHD1 is on the minus strand). VCF-style: chr6-52046107-TTG-CT. GRCh37 (hg19) VCF-style: chr6-51910905-TTG-CT.
Other names: c.2487_2489delinsAG, p.Asn830fs (NM_170724.3); short protein forms N830fs.
Identifiers: ClinVar variation 4816609 (VCV004816609.1).

ClinVar aggregate classification (germline): Likely pathogenic (1 of 4 stars; one submission).

Conditions:
Autosomal recessive polycystic kidney disease (ARPKD). Also called: AR polycystic kidney disease. Identifiers: Orphanet 731, Orphanet 8378, MedGen C0085548, MeSH D017044, MONDO:0009889.

Submission:

Natera, Inc.
Classification: Likely pathogenic for Autosomal recessive polycystic kidney disease. Last evaluated: 2025-12-22. Review status: criteria provided, single submitter. Criteria: Natera Variant Classification Schema (03/2026). Collection method: clinical testing. Allele origin: germline.
Comment: The c.2487_2489delinsAG variant in PKHD1 is a frameshift variant predicted to shift the reading frame beginning at codon 830 and leads to a stop codon 7 codons downstream. This variant is expected to result in nonsense mediated decay, truncation, or a dysfunctional protein product. This variant is rare in the general population with a frequency below the threshold expected for the associated phenotype(s). Given the available evidence, this variant is classified as Likely Pathogenic.